The following is an entry in ClinVar:

NM_000264.5(PTCH1):c.1682T>C (p.Met561Thr)

Gene: PTCH1 (patched 1; minus strand). Cytogenetic location: 9q22.32.
Variant type: single nucleotide variant.
Coding change: c.1682T>C on transcript NM_000264.5 (MANE Select); coding-DNA position 1682, T replaced by C.
Protein change: p.Met561Thr; replaces methionine 561 with threonine.
Molecular consequence: missense variant. On other transcripts: non-coding transcript variant (1).
Genome position (GRCh38, 1-based): chr9:95,476,080, A>G on the plus strand (T>C on the coding strand, the complement: PTCH1 is on the minus strand). VCF-style: chr9-95476080-A-G. GRCh37 (hg19) VCF-style: chr9-98238362-A-G.
Other names: c.1229T>C, p.Met410Thr (NM_001083607.3, NM_001083604.3, NM_001083605.3 and 1 more transcripts); c.1526T>C, p.Met509Thr (NM_001354918.2); c.1484T>C, p.Met495Thr (NM_001083602.3); c.1679T>C, p.Met560Thr (NM_001083603.3); short protein forms M410T, M495T, M509T, M560T, M561T.
Identifiers: ClinVar variation 1720054 (VCV001720054.6), dbSNP rs2118252278, ClinGen allele CA374117964.

ClinVar aggregate classification (germline): Uncertain significance (1 of 4 stars; one submission).

Conditions:
Gorlin syndrome. Also called: Nevoid Basal Cell Carcinoma Syndrome; Basal cell nevus syndrome. Identifiers: Orphanet 377, MedGen C0004779, MONDO:0007187.

Allele frequency attached by ClinVar (database versions not stated): gnomAD exomes below 0.00001.
gnomAD v4.1: 1 of 1,614,074 alleles (0.000062%); highest among the groups gnomAD compares: Non-Finnish European, 0.000085%; no homozygotes.

Submission:

Labcorp Genetics (formerly Invitae), Labcorp
Classification: Uncertain significance for Gorlin syndrome. Last evaluated: 2022-09-22. Review status: criteria provided, single submitter. Criteria: Invitae Variant Classification Sherloc (09022015). Collection method: clinical testing. Allele origin: germline.
Comment: In summary, the available evidence is currently insufficient to determine the role of this variant in disease. Therefore, it has been classified as a Variant of Uncertain Significance. Advanced modeling of protein sequence and biophysical properties (such as structural, functional, and spatial information, amino acid conservation, physicochemical variation, residue mobility, and thermodynamic stability) performed at Invitae indicates that this missense variant is not expected to disrupt PTCH1 protein function. This variant has not been reported in the literature in individuals affected with PTCH1-related conditions. This variant is not present in population databases (gnomAD no frequency). This sequence change replaces methionine, which is neutral and non-polar, with threonine, which is neutral and polar, at codon 561 of the PTCH1 protein (p.Met561Thr).